The following is an entry in ClinVar:

NM_001083962.2(TCF4):c.1650-2A>G

Gene: TCF4 (transcription factor 4; minus strand). Cytogenetic location: 18q21.2.
Variant type: single nucleotide variant.
Coding change: c.1650-2A>G on transcript NM_001083962.2 (MANE Select); the canonical splice acceptor site of the intron before coding-DNA position 1650, A replaced by G.
Molecular consequence: splice acceptor variant.
Genome position (GRCh38, 1-based): chr18:55,229,078, T>C on the plus strand (A>G on the coding strand, the complement: TCF4 is on the minus strand). VCF-style: chr18-55229078-T-C. GRCh37 (hg19) VCF-style: chr18-52896309-T-C.
Other names: c.1956-2A>G (NM_001243226.3); c.1563-2A>G (NM_001369584.1, NM_001369585.1, NM_001348220.1); c.1575-2A>G (NM_001369576.1, NM_001369577.1, NM_001369578.1 and 3 more transcripts); c.1566-2A>G (NM_001369582.1, NM_001369583.1, NM_001348219.2 and 1 more transcripts); c.1578-2A>G (NM_001243227.2, NM_001369575.1, NM_001348218.2 and 1 more transcripts); c.1581-2A>G (NM_001369586.1); c.1638-2A>G (NM_001369571.1, NM_001369572.1, NM_003199.3); c.1650-2A>G (NM_001369567.1, NM_001369568.1); and 14 more.
Identifiers: ClinVar variation 449629 (VCV000449629.4), dbSNP rs1555711245, ClinGen allele CA402529325.

ClinVar aggregate classification (germline): Pathogenic. Review status: criteria provided, multiple submitters, no conflicts (2 of 4 stars). 2 submissions from 2 submitters: Pathogenic (2). Last evaluated 2015-12-08.

Conditions:
Pitt-Hopkins syndrome (PTHS). Also called: MENTAL RETARDATION, SYNDROMAL, WITH INTERMITTENT HYPERVENTILATION; ENCEPHALOPATHY, SEVERE EPILEPTIC, WITH AUTONOMIC DYSFUNCTION. Identifiers: Orphanet 2896, MedGen C1970431, MONDO:0012589, OMIM 610954.

Submissions (2):

GeneDx
Classification: Pathogenic. Last evaluated: 2015-12-08. Review status: criteria provided, single submitter. Criteria: GeneDx Variant Classification (06012015). Collection method: clinical testing. Allele origin: germline. Affected: yes.
Comment: The c.1650-2 A>G splice site variant in the TCF4 gene destroys the canonical splice acceptor site in intron 17. It is predicted to cause abnormal gene splicing, either leading to an abnormal message that is subject to nonsense-mediated mRNA decay, or to an abnormal protein product if the message is used for protein translation. Although this pathogenic variant has not been previously reported to our knowledge, a different variant at the same position (c.1650-2 A>C) has been reported previously as a de novo variant in an individual with Pitt-Hopkins syndrome (Whalen et al., 2012).

Juno Genomics, Hangzhou Juno Genomics, Inc
Classification: Pathogenic for Pitt-Hopkins syndrome. Review status: criteria provided, single submitter. Criteria: ACMG Guidelines, 2015. Collection method: clinical testing. Allele origin: germline. Affected: yes.
Comment: Absent from controls (or at extremely low frequency if recessive) in Genome Aggregation Database, Exome Sequencing Project, 1000 Genomes Project, or Exome Aggregation Consortium.;Null variant in a gene where loss of function (LOF) is a known mechanism of disease.;The prevalence of the variant in affected individuals is significantly increased compared to the prevalence in controls.